The following is an entry in ClinVar:

ClinVar aggregate classification (germline): Uncertain significance (1 of 4 stars; one submission).

Allele frequency attached by ClinVar (database versions not stated): TOPMed below 0.00001.

Submission:

Labcorp Genetics (formerly Invitae), Labcorp
Classification: Uncertain significance. Last evaluated: 2022-02-08. Review status: criteria provided, single submitter. Criteria: Invitae Variant Classification Sherloc (09022015). Collection method: clinical testing. Allele origin: germline.
Comment: This sequence change replaces proline, which is neutral and non-polar, with arginine, which is basic and polar, at codon 268 of the MAPKAPK3 protein (p.Pro268Arg). This variant is not present in population databases (gnomAD no frequency). This variant has not been reported in the literature in individuals affected with MAPKAPK3-related conditions. Algorithms developed to predict the effect of missense changes on protein structure and function are either unavailable or do not agree on the potential impact of this missense change (SIFT: "Deleterious"; PolyPhen-2: "Benign"; Align-GVGD: "Class C65"). Algorithms developed to predict the effect of sequence changes on RNA splicing suggest that this variant may create or strengthen a splice site. In summary, the available evidence is currently insufficient to determine the role of this variant in disease. Therefore, it has been classified as a Variant of Uncertain Significance.

NM_001243925.2(MAPKAPK3):c.803C>G (p.Pro268Arg)

Gene: MAPKAPK3 (MAPK activated protein kinase 3; plus strand). Cytogenetic location: 3p21.2.
Variant type: single nucleotide variant.
Coding change: c.803C>G on transcript NM_001243925.2 (MANE Select); coding-DNA position 803, C replaced by G.
Protein change: p.Pro268Arg; replaces proline 268 with arginine.
Molecular consequence: missense variant.
Genome position (GRCh38, 1-based): chr3:50,646,238, C>G. VCF-style: chr3-50646238-C-G. GRCh37 (hg19) VCF-style: chr3-50683669-C-G.
Other names: c.803C>G, p.Pro268Arg (NM_001243926.2, NM_004635.5); short protein forms P268R.
Identifiers: ClinVar variation 2087428 (VCV002087428.4), dbSNP rs2033293275, ClinGen allele CA352934806.
Genomic context (GRCh38, chr3:50,646,238, plus strand): 5'-AGGCCATCTCCCCGGGGATGAAGAGGAGGATTCGCCTGGGCCAGTACGGCTTCCCCAATC[C>G]TGAGTGGTCAGAAGTCTCTGAGGATGGTGAGTGAACCTCTCTGTCCCAGCCTGACTCACC-3'
Protein context (NP_001230854.1, residues 258-278): IRLGQYGFPN[Pro268Arg]EWSEVSEDAK